The following is an entry in ClinVar:

ClinVar aggregate classification (germline): Uncertain significance (1 of 4 stars; one submission).

Conditions:
RASopathy. Also called: Noonan spectrum disorder; rasopathies. Identifiers: Orphanet 536391, MedGen C5555857, MONDO:0021060.

gnomAD v4.1: 2 of 1,604,624 alleles (0.00012%); highest among the groups gnomAD compares: African/African-American, 0.0013%; no homozygotes.

Submission:

Labcorp Genetics (formerly Invitae), Labcorp
Classification: Uncertain significance for RASopathy. Last evaluated: 2025-12-09. Review status: criteria provided, single submitter. Criteria: Invitae Variant Classification Sherloc (09022015). Collection method: clinical testing. Allele origin: germline.
Comment: This sequence change falls in intron 3 of the BRAF gene. It does not directly change the encoded amino acid sequence of the BRAF protein. It affects a nucleotide within the consensus splice site. This variant is present in population databases (no rsID available, gnomAD 0.007%). This variant has not been reported in the literature in individuals affected with BRAF-related conditions. Variants that disrupt the consensus splice site are a relatively common cause of aberrant splicing (PMID: 17576681, 9536098). Algorithms developed to predict the effect of sequence changes on RNA splicing suggest that this variant is not likely to affect RNA splicing. In summary, the available evidence is currently insufficient to determine the role of this variant in disease. Therefore, it has been classified as a Variant of Uncertain Significance.

Literature cited by the submitters: PubMed 17576681; PubMed 9536098.

NM_004333.6(BRAF):c.505-3T>C

Gene: BRAF (B-Raf proto-oncogene, serine/threonine kinase; minus strand). Cytogenetic location: 7q34.
Variant type: single nucleotide variant.
Coding change: c.505-3T>C on transcript NM_004333.6 (MANE Select); 3 bases into the intron before coding-DNA position 505, T replaced by C.
Molecular consequence: intron variant.
Genome position (GRCh38, 1-based): chr7:140,808,998, A>G on the plus strand (T>C on the coding strand, the complement: BRAF is on the minus strand). VCF-style: chr7-140808998-A-G. GRCh37 (hg19) VCF-style: chr7-140508798-A-G.
Other names: c.505-3T>C (NM_001378474.1, NM_001378471.1, NM_001378468.1 and 5 more transcripts); c.403-3T>C (NM_001378470.1); c.241-3T>C (NM_001378475.1); c.349-3T>C (NM_001378472.1, NM_001378473.1).
Identifiers: ClinVar variation 4745161 (VCV004745161.1).